The following is an entry in ClinVar:

NM_005869.4(CWC27):c.268C>T (p.Arg90Trp)

Gene: CWC27 (CWC27 spliceosome associated cyclophilin; plus strand). Cytogenetic location: 5q12.3.
Variant type: single nucleotide variant.
Coding change: c.268C>T on transcript NM_005869.4 (MANE Select); coding-DNA position 268, C replaced by T.
Protein change: p.Arg90Trp; replaces arginine 90 with tryptophan.
Molecular consequence: missense variant.
Genome position (GRCh38, 1-based): chr5:64,783,851, C>T. VCF-style: chr5-64783851-C-T. GRCh37 (hg19) VCF-style: chr5-64079678-C-T.
Other names: c.268C>T, p.Arg90Trp (NM_001297644.1, NM_001297645.2, NM_001318000.2 and 1 more transcripts); short protein forms R90W.
Identifiers: ClinVar variation 2420253 (VCV002420253.6), dbSNP rs1238819839, ClinGen allele CA359843507.

ClinVar aggregate classification (germline): Uncertain significance (1 of 4 stars; one submission).

Allele frequency attached by ClinVar (database versions not stated): gnomAD 0.00001; gnomAD exomes 0.00001.
gnomAD v4.1: 12 of 1,576,480 alleles (0.00076%); highest among the groups gnomAD compares: Non-Finnish European, 0.001%; no homozygotes.

Submission:

Labcorp Genetics (formerly Invitae), Labcorp
Classification: Uncertain significance. Last evaluated: 2024-02-24. Review status: criteria provided, single submitter. Criteria: Invitae Variant Classification Sherloc (09022015). Collection method: clinical testing. Allele origin: germline.
Comment: This sequence change replaces arginine, which is basic and polar, with tryptophan, which is neutral and slightly polar, at codon 90 of the CWC27 protein (p.Arg90Trp). The frequency data for this variant in the population databases is considered unreliable, as metrics indicate poor data quality at this position in the gnomAD database. This variant has not been reported in the literature in individuals affected with CWC27-related conditions. ClinVar contains an entry for this variant (Variation ID: 2420253). An algorithm developed to predict the effect of missense changes on protein structure and function (PolyPhen-2) suggests that this variant is likely to be disruptive. In summary, the available evidence is currently insufficient to determine the role of this variant in disease. Therefore, it has been classified as a Variant of Uncertain Significance.